The following is an entry in ClinVar:

NM_024422.6(DSC2):c.2631A>G (p.Glu877=)

Gene: DSC2 (desmocollin 2; minus strand). Cytogenetic location: 18q12.1.
Variant type: single nucleotide variant.
Coding change: c.2631A>G on transcript NM_024422.6 (MANE Select); coding-DNA position 2631, A replaced by G.
Protein change: p.Glu877=; no amino-acid change (glutamic acid 877 retained).
Molecular consequence: synonymous variant. On other transcripts: 3 prime UTR variant (2).
Genome position (GRCh38, 1-based): chr18:31,068,090, T>C on the plus strand (A>G on the coding strand, the complement: DSC2 is on the minus strand). VCF-style: chr18-31068090-T-C. GRCh37 (hg19) VCF-style: chr18-28648056-T-C.
Other names: c.2202A>G, p.Glu734= (NM_001406506.1); c.*133A>G (NM_001406507.1, NM_004949.5).
Identifiers: ClinVar variation 2775167 (VCV002775167.4), dbSNP rs771112531, ClinGen allele CA031001.
Genomic context (GRCh38, chr18:31,068,090, plus strand): 5'-TGCTTCTGCTAGTGTCCTAAATTTGGGCTCCAAATTATCCAAAAATTCAAGCCCATCTTC[T>C]TCTTGTCGTTCACTGCAACAACCTACAGACCCAGCCACCGATCCTCTTCCTTCATAGTTA-3'
Protein context (NP_077740.1, residues 867-887): GSVGCCSERQ[Glu877=]EDGLEFLDNL

ClinVar aggregate classification (germline): Likely benign. Review status: criteria provided, multiple submitters, no conflicts (2 of 4 stars). 3 submissions from 3 submitters: Likely benign (3). Last evaluated 2025-10-24.

Conditions:
Familial isolated arrhythmogenic right ventricular dysplasia. Identifiers: Orphanet 217656, MedGen C4274968, MONDO:0016342.
Cardiomyopathy (CMYO). Also called: Cardiomyopathies. Identifiers: Orphanet 167848, MedGen C0878544, MONDO:0004994, HP:0001638. Inheritance: Various modes of inheritance.
Arrhythmogenic right ventricular dysplasia 11. Also called: ARRHYTHMOGENIC RIGHT VENTRICULAR DYSPLASIA, FAMILIAL, 11; Arrhythmogenic Right Ventricular Dysplasia/Cardiomyopathy11; Arrhythmogenic right ventricular dysplasia 11 with mild palmoplantar keratoderma and woolly hair. Identifiers: MedGen C1864850, MONDO:0012506, OMIM 610476.

Allele frequency attached by ClinVar (database versions not stated): gnomAD exomes below 0.00001; ExAC 0.00001; gnomAD 0.00001.
gnomAD v4.1: 2 of 1,613,954 alleles (0.00012%); highest among the groups gnomAD compares: Non-Finnish European, 0.00017%; no homozygotes.

Submissions (3):

Labcorp Genetics (formerly Invitae), Labcorp
Classification: Likely benign for Arrhythmogenic right ventricular dysplasia 11. Last evaluated: 2025-10-24. Review status: criteria provided, single submitter. Criteria: Invitae Variant Classification Sherloc (09022015). Collection method: clinical testing. Allele origin: germline.

All of Us Research Program, National Institutes of Health
Classification: Likely benign for Familial isolated arrhythmogenic right ventricular dysplasia. Last evaluated: 2023-07-10. Review status: criteria provided, single submitter. Criteria: ACMG Guidelines, 2015. Collection method: clinical testing. Allele origin: germline. Inheritance: Autosomal dominant inheritance. Observed: 1 variant allele, 1 heterozygote.
Comment: This study involves interpretation of variants in research participants for the purpose of population health screening. Participant phenotype was not available at the time of variant classification. Additional details can be found in publication PMID: 35346344, PMCID: PMC8962531

Color Diagnostics, LLC DBA Color Health
Classification: Likely benign for Cardiomyopathy. Last evaluated: 2022-11-06. Review status: criteria provided, single submitter. Criteria: ACMG Guidelines, 2015. Collection method: clinical testing. Allele origin: germline.